The following is an entry in ClinVar:

NM_012123.4(MTO1):c.1903A>G (p.Ser635Gly)

Gene: MTO1 (mitochondrial tRNA translation optimization 1; plus strand). Cytogenetic location: 6q13.
Variant type: single nucleotide variant.
Coding change: c.1903A>G on transcript NM_012123.4 (MANE Select); coding-DNA position 1903, A replaced by G.
Protein change: p.Ser635Gly; replaces serine 635 with glycine.
Molecular consequence: missense variant.
Genome position (GRCh38, 1-based): chr6:73,497,882, A>G. VCF-style: chr6-73497882-A-G. GRCh37 (hg19) VCF-style: chr6-74207605-A-G.
Other names: c.2023A>G, p.Ser675Gly (NM_001123226.2); c.1978A>G, p.Ser660Gly (NM_133645.3); short protein forms S635G, S660G, S675G.
Identifiers: ClinVar variation 4076834 (VCV004076834.1).

ClinVar aggregate classification (germline): Uncertain significance (1 of 4 stars; one submission).

gnomAD v4.1: 1 of 1,611,990 alleles (0.000062%); highest among the groups gnomAD compares: African/African-American, 0.0013%; no homozygotes.

Submission:

GeneDx
Classification: Uncertain significance. Last evaluated: 2025-02-21. Review status: criteria provided, single submitter. Criteria: GeneDx Variant Classification Process June 2021. Collection method: clinical testing. Allele origin: germline. Affected: yes.
Comment: Not observed at significant frequency in large population cohorts (gnomAD); In silico analysis indicates that this missense variant does not alter protein structure/function; Has not been previously published as pathogenic or benign to our knowledge